The following is an entry in ClinVar:

NM_000508.3(FGA):c.92G>T (p.Gly31Val)

Gene: FGA (fibrinogen alpha chain; minus strand). Cytogenetic location: 4q31.3.
Variant type: single nucleotide variant.
Coding change: c.92G>T on transcript NM_000508.3; coding-DNA position 92, G replaced by T.
Protein change: p.Gly31Val; replaces glycine 31 with valine.
Molecular consequence: missense variant (on NM_021871.4).
Genome position (GRCh38, 1-based): chr4:154,589,525, C>A on the plus strand (G>T on the coding strand, the complement: FGA is on the minus strand). VCF-style: chr4-154589525-C-A. GRCh37 (hg19) VCF-style: chr4-155510677-C-A.
Other names: G12V; c.92G>T, p.Gly31Val (LRG_557t1, NM_000508.5, NM_021871.4); short protein forms G31V.
Identifiers: ClinVar variation 16398 (VCV000016398.7), dbSNP rs121909605, ClinGen allele CA126460.

ClinVar aggregate classification (germline): Conflicting classifications of pathogenicity. Review status: criteria provided, conflicting classifications (1 of 4 stars). 4 submissions from 4 submitters: Likely pathogenic (2); Uncertain significance (1). 1 of the submissions does not count toward it. Last evaluated 2024-10-04.

Conditions:
Familial visceral amyloidosis, Ostertag type (AMYLD2). Also called: Ostertag type amyloidosis; Familial visceral amyloidosis; Amyloidosis, hepatic and systemic; AMYLOIDOSIS, HEREDITARY SYSTEMIC 2; Hereditary Renal Amyloidosis; AMYLOIDOSIS VIII. Identifiers: Orphanet 85450, MedGen C0268389, MONDO:0007099, OMIM 105200.
Familial dysfibrinogenemia. Also called: Dysfibrinogenemia, congenital. Identifiers: Orphanet 335, Orphanet 98881, MedGen C0272350, MONDO:0014452, OMIM 616004.
Congenital afibrinogenemia. Identifiers: Orphanet 335, Orphanet 98880, MedGen C2584774, MONDO:0008737, OMIM 202400.
FIBRINOGEN ROUEN 1.

Allele frequency attached by ClinVar (database versions not stated): gnomAD exomes below 0.00001; gnomAD 0.00001; TOPMed 0.00001.
gnomAD v4.1: 2 of 1,613,786 alleles (0.00012%); highest among the groups gnomAD compares: African/African-American, 0.0027%; no homozygotes.

Submissions (4):

Women's Health and Genetics/Laboratory Corporation of America, LabCorp
Classification: Uncertain significance. Last evaluated: 2024-10-04. Review status: criteria provided, single submitter. Criteria: LabCorp Variant Classification Summary - May 2015. Collection method: clinical testing. Allele origin: germline.
Comment: Variant summary: FGA c.92G>T (p.Gly31Val) results in a non-conservative amino acid change in the encoded protein sequence. Four of five in-silico tools predict a damaging effect of the variant on protein function. The variant was absent in 251232 control chromosomes. The available data on variant occurrences in the general population are insufficient to allow any conclusion about variant significance. To our knowledge, no occurrence of c.92G>T in individuals affected with Dysfibrinogenemia, Congenital has been reported. One publication reports experimental evidence evaluating an impact on protein function, however, does not allow convincing conclusions about the variant effect (Ni_1989). The following publication have been ascertained in the context of this evaluation (PMID: 2742827). ClinVar contains an entry for this variant (Variation ID: 16398). Based on the evidence outlined above, the variant was classified as uncertain significance.

Fulgent Genetics
Classification: Likely pathogenic for Familial visceral amyloidosis, Ostertag type; Congenital afibrinogenemia; Familial dysfibrinogenemia. Last evaluated: 2024-01-11. Review status: criteria provided, single submitter. Criteria: ACMG Guidelines, 2015. Collection method: clinical testing. Allele origin: germline.

Mayo Clinic Laboratories, Mayo Clinic
Classification: Likely pathogenic. Last evaluated: 2021-07-07. Review status: criteria provided, single submitter. Criteria: ACMG Guidelines, 2015. Collection method: clinical testing. Allele origin: germline.
Comment: PM2, PS4_Moderate, PS3

OMIM
Classification: other for FIBRINOGEN ROUEN 1. Last evaluated: 2012-12-20. Review status: no assertion criteria provided. Collection method: literature only. Allele origin: germline. Not counted in ClinVar's aggregate classification.

Literature cited by the submitters: PubMed 2742827 (cited by Women's Health and Genetics/Laboratory Corporation of America, LabCorp); PubMed 6575689 (cited by Mayo Clinic Laboratories, Mayo Clinic); PubMed 11914657 (cited by Mayo Clinic Laboratories, Mayo Clinic); PubMed 25320241 (cited by Mayo Clinic Laboratories, Mayo Clinic); PubMed 31583746 (cited by Mayo Clinic Laboratories, Mayo Clinic); PubMed 2742828 (cited by Mayo Clinic Laboratories, Mayo Clinic); PubMed 4084461 (cited by OMIM).